The following is an entry in ClinVar:

NM_000465.4(BARD1):c.215+3A>G

Gene: BARD1 (BRCA1 associated RING domain 1; minus strand). Cytogenetic location: 2q35.
Variant type: single nucleotide variant.
Coding change: c.215+3A>G on transcript NM_000465.4 (MANE Select); 3 bases into the intron after coding-DNA position 215, A replaced by G.
Molecular consequence: intron variant.
Genome position (GRCh38, 1-based): chr2:214,797,058, T>C on the plus strand (A>G on the coding strand, the complement: BARD1 is on the minus strand). VCF-style: chr2-214797058-T-C. GRCh37 (hg19) VCF-style: chr2-215661782-T-C.
Other names: c.215+3A>G (NM_000465.2, NM_001282545.2, NM_001282549.2); c.158+12354A>G (NM_001282548.2); c.159-4613A>G (NM_001282543.2).
Identifiers: ClinVar variation 1018443 (VCV001018443.8), dbSNP rs1695789652, ClinGen allele CA1327078925.

ClinVar aggregate classification (germline): Uncertain significance. Review status: criteria provided, multiple submitters, no conflicts (2 of 4 stars). 2 submissions from 2 submitters: Uncertain significance (2). Last evaluated 2025-07-03.

Conditions:
Hereditary cancer-predisposing syndrome. Also called: Tumor predisposition; Neoplastic Syndromes, Hereditary; Hereditary neoplastic syndrome; Hereditary Cancer Syndrome. Identifiers: Orphanet 140162, MedGen C0027672, MeSH D009386, MONDO:0015356.
Familial cancer of breast. Also called: Hereditary breast cancer; BREAST CANCER, FAMILIAL; hereditary breast carcinoma. Identifiers: Orphanet 227535, MedGen C0346153, MONDO:0016419, OMIM 114480. Disease mechanism: loss of function.

Submissions (2):

Ambry Genetics
Classification: Uncertain significance for Hereditary cancer-predisposing syndrome. Last evaluated: 2025-07-03. Review status: criteria provided, single submitter. Criteria: Ambry Variant Classification Scheme 2023. Collection method: clinical testing. Allele origin: germline.
Comment: The c.215+3A>G intronic variant results from an A to G substitution 3 nucleotides after coding exon 2 in the BARD1 gene. This nucleotide position is not well conserved in available vertebrate species. In silico splice site analysis predicts that this alteration will not have any significant effect on splicing. Based on the available evidence, the clinical significance of this variant remains unclear.

Labcorp Genetics (formerly Invitae), Labcorp
Classification: Uncertain significance for Familial cancer of breast. Last evaluated: 2020-10-20. Review status: criteria provided, single submitter. Criteria: Invitae Variant Classification Sherloc (09022015). Collection method: clinical testing. Allele origin: germline.
Comment: This variant has not been reported in the literature in individuals with BARD1-related conditions. This variant is not present in population databases (ExAC no frequency). This sequence change falls in intron 2 of the BARD1 gene. It does not directly change the encoded amino acid sequence of the BARD1 protein. It affects a nucleotide within the consensus splice site of the intron. Nucleotide substitutions within the consensus splice site are a relatively common cause of aberrant splicing (PMID: 17576681, 9536098). Algorithms developed to predict the effect of sequence changes on RNA splicing suggest that this variant is not likely to affect RNA splicing, but this prediction has not been confirmed by published transcriptional studies. In summary, the available evidence is currently insufficient to determine the role of this variant in disease. Therefore, it has been classified as a Variant of Uncertain Significance.

Literature cited by the submitters: PubMed 17576681 (cited by Labcorp Genetics (formerly Invitae), Labcorp); PubMed 9536098 (cited by Labcorp Genetics (formerly Invitae), Labcorp).